The following is an entry in ClinVar:

NM_001287.6(CLCN7):c.1626G>T (p.Ala542=)

Gene: CLCN7 (Cl-/H+ antiporter 7; minus strand). Cytogenetic location: 16p13.3.
Variant type: single nucleotide variant.
Coding change: c.1626G>T on transcript NM_001287.6 (MANE Select); coding-DNA position 1626, G replaced by T.
Protein change: p.Ala542=; no amino-acid change (alanine 542 retained).
Molecular consequence: synonymous variant.
Genome position (GRCh38, 1-based): chr16:1,449,319, C>A on the plus strand (G>T on the coding strand, the complement: CLCN7 is on the minus strand). VCF-style: chr16-1449319-C-A. GRCh37 (hg19) VCF-style: chr16-1499320-C-A.
Other names: c.1554G>T, p.Ala518= (NM_001114331.3).
Identifiers: ClinVar variation 710338 (VCV000710338.12), dbSNP rs147838517, ClinGen allele CA7810137.

ClinVar aggregate classification (germline): Benign. Review status: criteria provided, multiple submitters, no conflicts (2 of 4 stars). 3 submissions from 3 submitters: Benign (3). Last evaluated 2026-01-22.

Conditions:
Osteopetrosis. Identifiers: Orphanet 2781, MedGen C0029454, MONDO:0017198, HP:0011002.

Allele frequency attached by ClinVar (database versions not stated): gnomAD 0.00437; TOPMed 0.00455; ESP Exome Variant Server 0.00457; 1000 Genomes Project 30x 0.00515; 1000 Genomes Project 0.00519.
gnomAD v4.1: 1,306 of 1,585,946 alleles (0.082%); highest among the groups gnomAD compares: African/African-American, 1.6%; 16 homozygotes.

Submissions (3):

Labcorp Genetics (formerly Invitae), Labcorp
Classification: Benign. Last evaluated: 2026-01-22. Review status: criteria provided, single submitter. Criteria: Invitae Variant Classification Sherloc (09022015). Collection method: clinical testing. Allele origin: germline.

Illumina Laboratory Services, Illumina
Classification: Benign for Osteopetrosis. Last evaluated: 2017-04-27. Review status: criteria provided, single submitter. Criteria: ICSL Variant Classification Criteria 13 December 2019. Collection method: clinical testing. Allele origin: germline.
Comment: This variant was observed as part of a predisposition screen in an ostensibly healthy population. A literature search was performed for the gene, cDNA change, and amino acid change (where applicable). No publications were found based on this search. Allele frequency data from public databases was too high to be consistent with this variant causing disease. Therefore, this variant is classified as benign.

Breakthrough Genomics
Classification: Benign. Review status: criteria provided, single submitter. Criteria: ACMG Guidelines, 2015. Collection method: not provided. Allele origin: germline. Inheritance: Autosomal recessive inheritance. Affected: yes.